The following is an entry in ClinVar:

ClinVar aggregate classification (germline): Conflicting classifications of pathogenicity. Review status: criteria provided, conflicting classifications (1 of 4 stars). 6 submissions from 6 submitters: Uncertain significance (5); Likely benign (1). Last evaluated 2026-01-20.

Conditions:
Cardiovascular phenotype. Identifiers: MedGen CN230736.
Familial hypobetalipoproteinemia 1. Also called: Hypobetalipoproteinemia, normotriglyceridemic; Acanthocytosis with hypobetalipoproteinemia; APOB-Related Familial Hypobetalipoproteinemia. Identifiers: MedGen C4551990, MONDO:0014252, OMIM 615558.
Hypercholesterolemia, autosomal dominant, type B (FHCL2). Also called: Familial Hypercholesterolemia Type B; Familial hypercholesterolemia 2; Hyperlipoproteinemia Type IIb; HYPERCHOLESTEROLEMIA, FAMILIAL, DUE TO LIGAND-DEFECTIVE APOLIPOPROTEIN B; APOLIPOPROTEIN B-100, FAMILIAL DEFECTIVE; APOLIPOPROTEIN B-100, FAMILIAL LIGAND-DEFECTIVE. Identifiers: MedGen C1704417, MONDO:0007751, OMIM 144010.

Allele frequency attached by ClinVar (database versions not stated): ExAC 0.00001; gnomAD 0.00001; gnomAD exomes 0.00001; TOPMed 0.00003.
gnomAD v4.1: 21 of 1,613,528 alleles (0.0013%); highest among the groups gnomAD compares: East Asian, 0.0045%; no homozygotes.

Submissions (6):

Women's Health and Genetics/Laboratory Corporation of America, LabCorp
Classification: Uncertain significance. Last evaluated: 2026-01-20. Review status: criteria provided, single submitter. Criteria: LabCorp Variant Classification Summary - May 2015. Collection method: clinical testing. Allele origin: germline.
Comment: Variant summary: APOB c.12889C>T (p.Arg4297Cys) results in a non-conservative amino acid change in the encoded protein sequence. Algorithms developed to predict the effect of missense changes on protein structure and function are either unavailable or do not agree on the potential impact of this missense change. The variant allele was found at a frequency of 1.2e-05 in 251140 control chromosomes. The available data on variant occurrences in the general population are insufficient to allow any conclusion about variant significance. To our knowledge, no occurrence of c.12889C>T in individuals affected with APOB-related conditions and no experimental evidence demonstrating its impact on protein function have been reported. ClinVar contains an entry for this variant (Variation ID: 920530). Based on the evidence outlined above, the variant was classified as uncertain significance.

Molecular Diagnostic Laboratory for Inherited Cardiovascular Disease, Montreal Heart Institute
Classification: Uncertain significance for Cardiovascular phenotype. Last evaluated: 2025-04-09. Review status: criteria provided, single submitter. Criteria: ACMG Guidelines, 2015. Collection method: clinical testing. Allele origin: germline. Affected: yes.
Comment: PM2;BP4

Labcorp Genetics (formerly Invitae), Labcorp
Classification: Likely benign for Familial hypobetalipoproteinemia 1; Hypercholesterolemia, autosomal dominant, type B. Last evaluated: 2025-02-27. Review status: criteria provided, single submitter. Criteria: Invitae Variant Classification Sherloc (09022015). Collection method: clinical testing. Allele origin: germline.

Blueprint Genetics
Classification: Uncertain significance. Last evaluated: 2022-06-13. Review status: criteria provided, single submitter. Criteria: ACMG Guidelines, 2015. Collection method: clinical testing. Allele origin: germline.

Ambry Genetics
Classification: Uncertain significance for Cardiovascular phenotype. Last evaluated: 2022-06-12. Review status: criteria provided, single submitter. Criteria: Ambry Variant Classification Scheme 2023. Collection method: clinical testing. Allele origin: germline.
Comment: The p.R4297C variant (also known as c.12889C>T), located in coding exon 29 of the APOB gene, results from a C to T substitution at nucleotide position 12889. The arginine at codon 4297 is replaced by cysteine, an amino acid with highly dissimilar properties. This amino acid position is conserved. In addition, this alteration is predicted to be tolerated by in silico analysis. Since supporting evidence is limited at this time, the clinical significance of this alteration remains unclear.

Fulgent Genetics
Classification: Uncertain significance for Hypercholesterolemia, autosomal dominant, type B; Familial hypobetalipoproteinemia 1. Last evaluated: 2021-10-12. Review status: criteria provided, single submitter. Criteria: ACMG Guidelines, 2015. Collection method: clinical testing. Allele origin: unknown.

NM_000384.3(APOB):c.12889C>T (p.Arg4297Cys)

Gene: APOB (apolipoprotein B; minus strand). Cytogenetic location: 2p24.1.
Variant type: single nucleotide variant.
Coding change: c.12889C>T on transcript NM_000384.3 (MANE Select); coding-DNA position 12889, C replaced by T.
Protein change: p.Arg4297Cys; replaces arginine 4297 with cysteine.
Molecular consequence: missense variant.
Genome position (GRCh38, 1-based): chr2:21,002,533, G>A on the plus strand (C>T on the coding strand, the complement: APOB is on the minus strand). VCF-style: chr2-21002533-G-A. GRCh37 (hg19) VCF-style: chr2-21225405-G-A.
Other names: short protein forms R4297C.
Identifiers: ClinVar variation 920530 (VCV000920530.12), dbSNP rs761260344, ClinGen allele CA051437.
Genomic context (GRCh38, chr2:21,002,533, plus strand): 5'-GCTGTTTAATGTTATCTTCTATTAGTTGGAAAATGAATTGTAAAAGGTCCTGAAGATTAC[G>A]TAGCACCTCTGTGGTCTTGAGAGACTGAATGGCTTTAAATACCTCTTGGGCTTCTTTTGA-3'
Protein context (NP_000375.3, residues 4287-4307): IQSLKTTEVL[Arg4297Cys]NLQDLLQFIF